The following is an entry in ClinVar:

ClinVar aggregate classification (germline): Uncertain significance (1 of 4 stars; one submission).

Conditions:
Hereditary cancer-predisposing syndrome. Also called: Tumor predisposition; Neoplastic Syndromes, Hereditary; Hereditary neoplastic syndrome; Hereditary Cancer Syndrome. Identifiers: Orphanet 140162, MedGen C0027672, MeSH D009386, MONDO:0015356.

Submission:

Ambry Genetics
Classification: Uncertain significance for Hereditary cancer-predisposing syndrome. Last evaluated: 2024-08-07. Review status: criteria provided, single submitter. Criteria: Ambry Variant Classification Scheme 2023. Collection method: clinical testing. Allele origin: germline.
Comment: The p.A1484P variant (also known as c.4450G>C), located in coding exon 33 of the TSC2 gene, results from a G to C substitution at nucleotide position 4450. The alanine at codon 1484 is replaced by proline, an amino acid with highly similar properties. This amino acid position is conserved. In addition, the in silico prediction for this alteration is inconclusive. Based on the available evidence, the clinical significance of this variant remains unclear.

NM_000548.5(TSC2):c.4450G>C (p.Ala1484Pro)

Gene: TSC2 (TSC complex subunit 2; plus strand). Cytogenetic location: 16p13.3.
Variant type: single nucleotide variant.
Coding change: c.4450G>C on transcript NM_000548.5 (MANE Select); coding-DNA position 4450, G replaced by C.
Protein change: p.Ala1484Pro; replaces alanine 1484 with proline.
Molecular consequence: missense variant. On other transcripts: non-coding transcript variant (5).
Genome position (GRCh38, 1-based): chr16:2,084,672, G>C. VCF-style: chr16-2084672-G-C. GRCh37 (hg19) VCF-style: chr16-2134673-G-C.
Other names: c.3781G>C, p.Ala1261Pro (NM_001406683.1, NM_001406682.1); c.3778G>C, p.Ala1260Pro (NM_001406684.1); c.3652G>C, p.Ala1218Pro (NM_001406685.1, NM_001406686.1); c.3037G>C, p.Ala1013Pro (NM_001406689.1); c.2977G>C, p.Ala993Pro (NM_001406690.1); c.2974G>C, p.Ala992Pro (NM_001406691.1); c.2908G>C, p.Ala970Pro (NM_001406692.1, NM_001406693.1, NM_001406694.1); c.3649G>C, p.Ala1217Pro (NM_001406687.1, NM_001406688.1); and 26 more; short protein forms A1260P, A1261P, A1284P, A1369P, A1380P, A1412P, A1414P, A1428P.
Identifiers: ClinVar variation 3462597 (VCV003462597.1).